The following is an entry in ClinVar:

ClinVar aggregate classification (germline): Uncertain significance (1 of 4 stars; one submission).

Conditions:
Autoimmune lymphoproliferative syndrome type 2B. Also called: AUTOIMMUNE LYMPHOPROLIFERATIVE SYNDROME, TYPE IIB. Identifiers: Orphanet 275517, MedGen C1846545, MONDO:0011804, OMIM 607271.

Submission:

Labcorp Genetics (formerly Invitae), Labcorp
Classification: Uncertain significance for Autoimmune lymphoproliferative syndrome type 2B. Last evaluated: 2020-10-25. Review status: criteria provided, single submitter. Criteria: Invitae Variant Classification Sherloc (09022015). Collection method: clinical testing. Allele origin: germline.
Comment: In summary, the available evidence is currently insufficient to determine the role of this variant in disease. Therefore, it has been classified as a Variant of Uncertain Significance. This variant has not been reported in the literature in individuals with CASP8-related conditions. This variant results in a copy number gain of the genomic region encompassing exon(s) 3-6 of the CASP8 gene. This region includes the initiator codon of the gene. The 5' end of this event is unknown as it extends beyond the assayed region for this gene and therefore may encompass additional genes. The 3' boundary is likely confined to intron 6 of the CASP8 gene. As the precise location of this event is unknown, it may be in tandem or it may be located elsewhere in the genome.

NC_000002.11:g.(?_202131210)_(202137519_?)dup

Gene: CASP8 (caspase 8; plus strand). Cytogenetic location: 2q33.1.
Variant type: Duplication.
Identifiers: ClinVar variation 1511555 (VCV001511555.5).